The following is an entry in ClinVar:

ClinVar aggregate classification (germline): Uncertain significance. Review status: criteria provided, multiple submitters, no conflicts (2 of 4 stars). 2 submissions from 2 submitters: Uncertain significance (2). Last evaluated 2025-01-12.

Allele frequency attached by ClinVar (database versions not stated): gnomAD 0.00001; TOPMed 0.00001; ExAC 0.00002; gnomAD exomes 0.00002.
gnomAD v4.1: 4 of 1,613,770 alleles (0.00025%); highest among the groups gnomAD compares: East Asian, 0.0067%; no homozygotes.

Submissions (2):

Labcorp Genetics (formerly Invitae), Labcorp
Classification: Uncertain significance. Last evaluated: 2025-01-12. Review status: criteria provided, single submitter. Criteria: Invitae Variant Classification Sherloc (09022015). Collection method: clinical testing. Allele origin: germline.
Comment: This sequence change replaces valine, which is neutral and non-polar, with isoleucine, which is neutral and non-polar, at codon 699 of the RASA2 protein (p.Val699Ile). This variant is present in population databases (rs776746640, gnomAD 0.03%). This variant has not been reported in the literature in individuals affected with RASA2-related conditions. ClinVar contains an entry for this variant (Variation ID: 1499428). An algorithm developed to predict the effect of missense changes on protein structure and function outputs the following: PolyPhen-2: "Benign". The isoleucine amino acid residue is found in multiple mammalian species, which suggests that this missense change does not adversely affect protein function. In summary, the available evidence is currently insufficient to determine the role of this variant in disease. Therefore, it has been classified as a Variant of Uncertain Significance.

Ambry Genetics
Classification: Uncertain significance. Last evaluated: 2024-03-12. Review status: criteria provided, single submitter. Criteria: Ambry Variant Classification Scheme 2023. Collection method: clinical testing. Allele origin: germline.

NM_006506.5(RASA2):c.2095G>A (p.Val699Ile)

Gene: RASA2 (RAS p21 protein activator 2; plus strand). Cytogenetic location: 3q23.
Variant type: single nucleotide variant.
Coding change: c.2095G>A on transcript NM_006506.5 (MANE Select); coding-DNA position 2095, G replaced by A.
Protein change: p.Val699Ile; replaces valine 699 with isoleucine.
Molecular consequence: missense variant.
Genome position (GRCh38, 1-based): chr3:141,608,567, G>A. VCF-style: chr3-141608567-G-A. GRCh37 (hg19) VCF-style: chr3-141327409-G-A.
Other names: c.2098G>A, p.Val700Ile (NM_001303245.3); c.2107G>A, p.Val703Ile (NM_001303246.3); c.2095G>A (NM_006506.2); short protein forms V699I, V700I, V703I.
Identifiers: ClinVar variation 1499428 (VCV001499428.8), dbSNP rs776746640, ClinGen allele CA2645741.